The following is an entry in ClinVar:

NM_006231.4(POLE):c.3155C>G (p.Thr1052Arg)

Gene: POLE (DNA polymerase epsilon, catalytic subunit; minus strand). Cytogenetic location: 12q24.33.
Variant type: single nucleotide variant.
Coding change: c.3155C>G on transcript NM_006231.4 (MANE Select); coding-DNA position 3155, C replaced by G.
Protein change: p.Thr1052Arg; replaces threonine 1052 with arginine.
Molecular consequence: missense variant.
Genome position (GRCh38, 1-based): chr12:132,659,415, G>C on the plus strand (C>G on the coding strand, the complement: POLE is on the minus strand). VCF-style: chr12-132659415-G-C. GRCh37 (hg19) VCF-style: chr12-133236001-G-C.
Other names: short protein forms T1052R.
Identifiers: ClinVar variation 2696477 (VCV002696477.3), dbSNP rs2042630076, ClinGen allele CA387390913.

ClinVar aggregate classification (germline): Uncertain significance (1 of 4 stars; one submission).

Submission:

Labcorp Genetics (formerly Invitae), Labcorp
Classification: Uncertain significance. Last evaluated: 2023-11-17. Review status: criteria provided, single submitter. Criteria: Invitae Variant Classification Sherloc (09022015). Collection method: clinical testing. Allele origin: germline.
Comment: This sequence change replaces threonine, which is neutral and polar, with arginine, which is basic and polar, at codon 1052 of the POLE protein (p.Thr1052Arg). This variant is not present in population databases (gnomAD no frequency). This variant has not been reported in the literature in individuals affected with POLE-related conditions. Advanced modeling of protein sequence and biophysical properties (such as structural, functional, and spatial information, amino acid conservation, physicochemical variation, residue mobility, and thermodynamic stability) performed at Invitae indicates that this missense variant is expected to disrupt POLE protein function with a positive predictive value of 80%. In summary, the available evidence is currently insufficient to determine the role of this variant in disease. Therefore, it has been classified as a Variant of Uncertain Significance.